The following is an entry in ClinVar:

ClinVar aggregate classification (germline): Likely benign. Review status: criteria provided, multiple submitters, no conflicts (2 of 4 stars). 4 submissions from 4 submitters: Likely benign (3). 1 of the submissions does not count toward it. Last evaluated 2023-05-01.

Conditions:
LAMA3-related disorder. Also called: LAMA3-related disorders; LAMA3-related condition.

Allele frequency attached by ClinVar (database versions not stated): 1000 Genomes Project 0.00020; 1000 Genomes Project 30x 0.00031; TOPMed 0.00036; ESP Exome Variant Server 0.00049; gnomAD 0.00031 and 0.00030; gnomAD exomes 0.00038 and 0.00019; ExAC 0.00026.
gnomAD v4.1: 341 of 1,614,076 alleles (0.021%); highest among the groups gnomAD compares: Middle Eastern, 0.15%; no homozygotes.

Submissions (4):

CeGaT Center for Human Genetics Tuebingen
Classification: Likely benign. Last evaluated: 2023-05-01. Review status: criteria provided, single submitter. Criteria: CeGaT Center For Human Genetics Tuebingen Variant Classification Criteria Version 2. Collection method: clinical testing. Allele origin: germline. Affected: yes. Observed: 1 variant allele.
Comment: LAMA3: BP4

Labcorp Genetics (formerly Invitae), Labcorp
Classification: Likely benign. Last evaluated: 2018-11-20. Review status: criteria provided, single submitter. Criteria: Invitae Variant Classification Sherloc (09022015). Collection method: clinical testing. Allele origin: germline.

Breakthrough Genomics
Classification: Likely benign. Review status: criteria provided, single submitter. Criteria: ACMG Guidelines, 2015. Collection method: not provided. Allele origin: germline. Inheritance: Autosomal recessive inheritance. Affected: yes.

PreventionGenetics, part of Exact Sciences
Classification: Likely benign for LAMA3-related condition. Last evaluated: 2020-03-06. Review status: no assertion criteria provided. Collection method: clinical testing. Allele origin: germline. Not counted in ClinVar's aggregate classification.
Comment: This variant is classified as likely benign based on ACMG/AMP sequence variant interpretation guidelines (Richards et al. 2015 PMID: 25741868, with internal and published modifications).

NM_198129.4(LAMA3):c.1571G>A (p.Arg524His)

Gene: LAMA3 (laminin subunit alpha 3; plus strand). Cytogenetic location: 18q11.2.
Variant type: single nucleotide variant.
Coding change: c.1571G>A on transcript NM_198129.4 (MANE Select); coding-DNA position 1571, G replaced by A.
Protein change: p.Arg524His; replaces arginine 524 with histidine.
Molecular consequence: missense variant. On other transcripts: non-coding transcript variant (1).
Genome position (GRCh38, 1-based): chr18:23,784,125, G>A. VCF-style: chr18-23784125-G-A. GRCh37 (hg19) VCF-style: chr18-21364089-G-A.
Other names: c.1571G>A, p.Arg524His (NM_001127717.4); short protein forms R524H.
Identifiers: ClinVar variation 744467 (VCV000744467.29), dbSNP rs201845068, ClinGen allele CA8914648.